The following is an entry in ClinVar:

ClinVar aggregate classification (germline): Uncertain significance (1 of 4 stars; one submission).

Submission:

Women's Health and Genetics/Laboratory Corporation of America, LabCorp
Classification: Uncertain significance. Last evaluated: 2024-06-06. Review status: criteria provided, single submitter. Criteria: LabCorp Variant Classification Summary - May 2015. Collection method: clinical testing. Allele origin: germline.
Comment: Variant summary: POLG c.3155G>C (p.Gly1052Ala) results in a non-conservative amino acid change located in the DNA-directed DNA polymerase, family A, palm domain (IPR001098) of the encoded protein sequence. Five of five in-silico tools predict a damaging effect of the variant on protein function. The variant was absent in 251258 control chromosomes. The available data on variant occurrences in the general population are insufficient to allow any conclusion about variant significance. To our knowledge, no occurrence of c.3155G>C in individuals affected with Mitochondrial DNA Depletion Syndrome - POLG Related and no experimental evidence demonstrating its impact on protein function have been reported. No submitters have cited clinical-significance assessments for this variant to ClinVar. Based on the evidence outlined above, the variant was classified as uncertain significance.

NM_002693.3(POLG):c.3155G>C (p.Gly1052Ala)

Gene: POLG (DNA polymerase gamma, catalytic subunit; minus strand). Cytogenetic location: 15q26.1.
Variant type: single nucleotide variant.
Coding change: c.3155G>C on transcript NM_002693.3 (MANE Select); coding-DNA position 3155, G replaced by C.
Protein change: p.Gly1052Ala; replaces glycine 1052 with alanine.
Molecular consequence: missense variant.
Genome position (GRCh38, 1-based): chr15:89,319,049, C>G on the plus strand (G>C on the coding strand, the complement: POLG is on the minus strand). VCF-style: chr15-89319049-C-G. GRCh37 (hg19) VCF-style: chr15-89862280-C-G.
Other names: c.3155G>C, p.Gly1052Ala (NM_001126131.2); short protein forms G1052A.
Identifiers: ClinVar variation 3339730 (VCV003339730.1).